The following is an entry in ClinVar:

NM_001197104.2(KMT2A):c.10096A>G (p.Thr3366Ala)

Gene: KMT2A (lysine methyltransferase 2A; plus strand). Cytogenetic location: 11q23.3.
Variant type: single nucleotide variant.
Coding change: c.10096A>G on transcript NM_001197104.2 (MANE Select); coding-DNA position 10096, A replaced by G.
Protein change: p.Thr3366Ala; replaces threonine 3366 with alanine.
Molecular consequence: missense variant.
Genome position (GRCh38, 1-based): chr11:118,505,988, A>G. VCF-style: chr11-118505988-A-G. GRCh37 (hg19) VCF-style: chr11-118376703-A-G.
Other names: c.10186A>G, p.Thr3396Ala (NM_001412597.1); c.10087A>G, p.Thr3363Ala (NM_005933.4); short protein forms T3366A, T3396A, T3363A.
Identifiers: ClinVar variation 2873890 (VCV002873890.2), dbSNP rs782159152, ClinGen allele CA6304683.
Genomic context (GRCh38, chr11:118,505,988, plus strand): 5'-GTTGTATCCATGCAAACTACCACAACCCCTACAAGTAGTGCGTCAGTTCCAGGACACGTC[A>G]CCTTAACCAACCCAAGGTTGCTTGGTACCCCAGATATTGGCTCAATAAGCAATCTTTTAA-3'
Protein context (NP_001184033.1, residues 3356-3376): TSSASVPGHV[Thr3366Ala]LTNPRLLGTP

ClinVar aggregate classification (germline): Uncertain significance (1 of 4 stars; one submission).

Allele frequency attached by ClinVar (database versions not stated): ExAC 0.00001; gnomAD exomes 0.00001.
gnomAD v4.1: 3 of 1,614,174 alleles (0.00019%); highest among the groups gnomAD compares: Non-Finnish European, 0.00025%; no homozygotes.

Submission:

Labcorp Genetics (formerly Invitae), Labcorp
Classification: Uncertain significance. Last evaluated: 2022-12-13. Review status: criteria provided, single submitter. Criteria: Invitae Variant Classification Sherloc (09022015). Collection method: clinical testing. Allele origin: germline.
Comment: In summary, the available evidence is currently insufficient to determine the role of this variant in disease. Therefore, it has been classified as a Variant of Uncertain Significance. Advanced modeling of protein sequence and biophysical properties (such as structural, functional, and spatial information, amino acid conservation, physicochemical variation, residue mobility, and thermodynamic stability) performed at Invitae indicates that this missense variant is not expected to disrupt KMT2A protein function. This variant has not been reported in the literature in individuals affected with KMT2A-related conditions. This variant is present in population databases (rs782159152, gnomAD 0.0009%). This sequence change replaces threonine, which is neutral and polar, with alanine, which is neutral and non-polar, at codon 3366 of the KMT2A protein (p.Thr3366Ala).